The following is an entry in ClinVar:

ClinVar aggregate classification (germline): Uncertain significance (1 of 4 stars; one submission).

Submission:

Labcorp Genetics (formerly Invitae), Labcorp
Classification: Uncertain significance. Last evaluated: 2023-01-29. Review status: criteria provided, single submitter. Criteria: Invitae Variant Classification Sherloc (09022015). Collection method: clinical testing. Allele origin: germline.
Comment: In summary, the available evidence is currently insufficient to determine the role of this variant in disease. Therefore, it has been classified as a Variant of Uncertain Significance. Advanced modeling of protein sequence and biophysical properties (such as structural, functional, and spatial information, amino acid conservation, physicochemical variation, residue mobility, and thermodynamic stability) performed at Invitae indicates that this missense variant is not expected to disrupt SLC1A2 protein function. This variant has not been reported in the literature in individuals affected with SLC1A2-related conditions. This variant is not present in population databases (gnomAD no frequency). This sequence change replaces aspartic acid, which is acidic and polar, with valine, which is neutral and non-polar, at codon 160 of the SLC1A2 protein (p.Asp160Val).

NM_004171.4(SLC1A2):c.479A>T (p.Asp160Val)

Gene: SLC1A2 (solute carrier family 1 member 2; minus strand). Cytogenetic location: 11p13.
Variant type: single nucleotide variant.
Coding change: c.479A>T on transcript NM_004171.4 (MANE Select); coding-DNA position 479, A replaced by T.
Protein change: p.Asp160Val; replaces aspartic acid 160 with valine.
Molecular consequence: missense variant.
Genome position (GRCh38, 1-based): chr11:35,312,280, T>A on the plus strand (A>T on the coding strand, the complement: SLC1A2 is on the minus strand). VCF-style: chr11-35312280-T-A. GRCh37 (hg19) VCF-style: chr11-35333827-T-A.
Other names: c.452A>T, p.Asp151Val (NM_001195728.3, NM_001252652.2); short protein forms D160V, D151V.
Identifiers: ClinVar variation 2807936 (VCV002807936.3), dbSNP rs753231273, ClinGen allele CA380129179.
Genomic context (GRCh38, chr11:35,312,280, plus strand): 5'-AGGTTTTCAGGGAAGAGATTTCGAATAAGGTCCAGGAAGGCATCCAGGCTGGACACTTCA[T>A]CATTCTTCTTCCCAGGCCCCAGCTGCTTCTTGAGCTTGGGATTGCCTGGATGGATAGCCA-3'
Protein context (NP_004162.2, residues 150-170): KKQLGPGKKN[Asp160Val]EVSSLDAFLD